The following is an entry in ClinVar:

ClinVar aggregate classification (germline): Conflicting classifications of pathogenicity. Review status: criteria provided, conflicting classifications (1 of 4 stars). 12 submissions from 12 submitters: Uncertain significance (1); Benign (2); Likely benign (8). 1 of the submissions does not count toward it. Last evaluated 2026-01-27.

Conditions:
Tuberous sclerosis 2 (TSC2). Identifiers: Orphanet 805, MedGen C1860707, MONDO:0013199, OMIM 613254.
TSC2-related disorder. Also called: TSC2-related condition; TSC2-Related Disorders.
Tuberous sclerosis syndrome (TSC). Also called: Tuberous Sclerosis Complex; Tuberous sclerosis. Identifiers: Orphanet 805, MedGen C0041341, MONDO:0001734.
Hereditary cancer-predisposing syndrome. Also called: Neoplastic Syndromes, Hereditary; Hereditary neoplastic syndrome; Tumor predisposition; Hereditary Cancer Syndrome. Identifiers: Orphanet 140162, MedGen C0027672, MeSH D009386, MONDO:0015356.

Allele frequency attached by ClinVar (database versions not stated): gnomAD 0.00002; gnomAD exomes 0.00005 and 0.00006; TOPMed 0.00005; ExAC 0.00007; ESP Exome Variant Server 0.00008.
gnomAD v4.1: 72 of 1,612,470 alleles (0.0045%); highest among the groups gnomAD compares: Non-Finnish European, 0.0054%; no homozygotes.

Submissions (12):

Labcorp Genetics (formerly Invitae), Labcorp
Classification: Benign for Tuberous sclerosis 2. Last evaluated: 2026-01-27. Review status: criteria provided, single submitter. Criteria: Invitae Variant Classification Sherloc (09022015). Collection method: clinical testing. Allele origin: germline.

Myriad Genetics, Inc.
Classification: Benign for Tuberous sclerosis 2. Last evaluated: 2025-06-04. Review status: criteria provided, single submitter. Criteria: Myriad Autosomal Dominant, Autosomal Recessive and X-Linked Classification Criteria (2023). Collection method: clinical testing. Allele origin: unknown.
Comment: This variant is considered benign. This variant is a silent/synonymous amino acid change and it is not expected to impact splicing.

Mayo Clinic Laboratories, Mayo Clinic
Classification: Likely benign. Last evaluated: 2025-05-03. Review status: criteria provided, single submitter. Criteria: ACMG Guidelines, 2015. Collection method: clinical testing. Allele origin: germline. Observed: 1 variant allele.
Comment: BP4, BP7

Blueprint Genetics
Classification: Likely benign. Last evaluated: 2024-11-19. Review status: criteria provided, single submitter. Criteria: ACMG Guidelines, 2015. Collection method: clinical testing. Allele origin: germline.

CeGaT Center for Human Genetics Tuebingen
Classification: Likely benign. Last evaluated: 2024-05-01. Review status: criteria provided, single submitter. Criteria: CeGaT Center For Human Genetics Tuebingen Variant Classification Criteria Version 2. Collection method: clinical testing. Allele origin: germline. Affected: yes. Observed: 1 variant allele.
Comment: TSC2: BP4, BP7

Color Diagnostics, LLC DBA Color Health
Classification: Likely benign for Tuberous sclerosis syndrome. Last evaluated: 2023-01-26. Review status: criteria provided, single submitter. Criteria: ACMG Guidelines, 2015. Collection method: clinical testing. Allele origin: germline.

Genome-Nilou Lab
Classification: Likely benign for Tuberous sclerosis 2. Last evaluated: 2021-11-07. Review status: criteria provided, single submitter. Criteria: ACMG Guidelines, 2015. Collection method: clinical testing. Allele origin: germline. Affected: no.

Sema4
Classification: Likely benign for Hereditary cancer-predisposing syndrome. Last evaluated: 2021-05-21. Review status: criteria provided, single submitter. Criteria: Sema4 Curation Guidelines. Collection method: curation. Allele origin: germline.

GeneDx
Classification: Likely benign. Last evaluated: 2020-05-18. Review status: criteria provided, single submitter. Criteria: GeneDx Variant Classification Process June 2021. Collection method: clinical testing. Allele origin: germline. Affected: yes.

Illumina Laboratory Services, Illumina
Classification: Uncertain significance for Tuberous sclerosis syndrome. Last evaluated: 2018-01-13. Review status: criteria provided, single submitter. Criteria: ICSL Variant Classification Criteria 13 December 2019. Collection method: clinical testing. Allele origin: germline.

Ambry Genetics
Classification: Likely benign for Hereditary cancer-predisposing syndrome. Last evaluated: 2016-02-06. Review status: criteria provided, single submitter. Criteria: Ambry Variant Classification Scheme 2023. Collection method: clinical testing. Allele origin: germline.

PreventionGenetics, part of Exact Sciences
Classification: Likely benign for TSC2-related condition. Last evaluated: 2023-04-27. Review status: no assertion criteria provided. Collection method: clinical testing. Allele origin: germline. Not counted in ClinVar's aggregate classification.
Comment: This variant is classified as likely benign based on ACMG/AMP sequence variant interpretation guidelines (Richards et al. 2015 PMID: 25741868, with internal and published modifications).

Literature cited by the submitters: PubMed 32917028 (cited by Sema4).

NM_000548.5(TSC2):c.4671C>T (p.Ser1557=)

Gene: TSC2 (TSC complex subunit 2; plus strand). Cytogenetic location: 16p13.3.
Variant type: single nucleotide variant.
Coding change: c.4671C>T on transcript NM_000548.5 (MANE Select); coding-DNA position 4671, C replaced by T.
Protein change: p.Ser1557=; no amino-acid change (serine 1557 retained).
Molecular consequence: synonymous variant.
Genome position (GRCh38, 1-based): chr16:2,086,201, C>T. VCF-style: chr16-2086201-C-T. GRCh37 (hg19) VCF-style: chr16-2136202-C-T.
Other names: p.Ser1557=; c.4470C>T, p.Ser1490= (NM_001077183.3); c.4602C>T, p.Ser1534= (NM_001114382.3); c.4362C>T, p.Ser1454= (NM_001318827.2); c.4326C>T, p.Ser1442= (NM_001318829.2); c.3939C>T, p.Ser1313= (NM_001318831.2); c.4503C>T, p.Ser1501= (NM_001318832.2); c.4473C>T, p.Ser1491= (NM_001363528.2); and 3 more.
Identifiers: ClinVar variation 406044 (VCV000406044.47), dbSNP rs151140709, ClinGen allele CA052261.
Genomic context (GRCh38, chr16:2,086,201, plus strand): 5'-GCAGGGCCCGGCCCGGGAGTGATGCCACCCTGCCTCTCCCCTCTCCCCACAGAGCAACAG[C>T]GAGCTCGCCATCCTGTCCAATGAGCATGGCTCCTACAGGTACACGGAGTTCCTGACGGGC-3'
Protein context (NP_000539.2, residues 1547-1567): VLYVGEGQSN[Ser1557=]ELAILSNEHG